The following is an entry in ClinVar:

ClinVar aggregate classification (germline): Uncertain significance. Review status: criteria provided, multiple submitters, no conflicts (2 of 4 stars). 2 submissions from 2 submitters: Uncertain significance (2). Last evaluated 2024-07-18.

Conditions:
Hereditary cancer-predisposing syndrome. Also called: Neoplastic Syndromes, Hereditary; Hereditary neoplastic syndrome; Hereditary Cancer Syndrome; Tumor predisposition. Identifiers: Orphanet 140162, MedGen C0027672, MeSH D009386, MONDO:0015356.

Allele frequency attached by ClinVar (database versions not stated): gnomAD exomes below 0.00001; gnomAD 0.00001; TOPMed 0.00001; ExAC 0.00002; 1000 Genomes Project 30x 0.00016; 1000 Genomes Project 0.00020.
gnomAD v4.1: 2 of 1,613,512 alleles (0.00012%); highest among the groups gnomAD compares: East Asian, 0.0022%; no homozygotes.

Submissions (2):

Labcorp Genetics (formerly Invitae), Labcorp
Classification: Uncertain significance. Last evaluated: 2024-07-18. Review status: criteria provided, single submitter. Criteria: Invitae Variant Classification Sherloc (09022015). Collection method: clinical testing. Allele origin: germline.
Comment: This sequence change replaces leucine, which is neutral and non-polar, with proline, which is neutral and non-polar, at codon 1515 of the POLE protein (p.Leu1515Pro). This variant is present in population databases (rs570385857, gnomAD 0.006%). This variant has not been reported in the literature in individuals affected with POLE-related conditions. Advanced modeling of protein sequence and biophysical properties (such as structural, functional, and spatial information, amino acid conservation, physicochemical variation, residue mobility, and thermodynamic stability) performed at Invitae indicates that this missense variant is not expected to disrupt POLE protein function with a negative predictive value of 80%. In summary, the available evidence is currently insufficient to determine the role of this variant in disease. Therefore, it has been classified as a Variant of Uncertain Significance.

Ambry Genetics
Classification: Uncertain significance for Hereditary cancer-predisposing syndrome. Last evaluated: 2024-01-11. Review status: criteria provided, single submitter. Criteria: Ambry Variant Classification Scheme 2023. Collection method: clinical testing. Allele origin: germline.
Comment: The p.L1515P variant (also known as c.4544T>C), located in coding exon 35 of the POLE gene, results from a T to C substitution at nucleotide position 4544. The leucine at codon 1515 is replaced by proline, an amino acid with similar properties. This amino acid position is conserved. In addition, the in silico prediction for this alteration is inconclusive. Since supporting evidence is limited at this time, the clinical significance of this alteration remains unclear.

NM_006231.4(POLE):c.4544T>C (p.Leu1515Pro)

Gene: POLE (DNA polymerase epsilon, catalytic subunit; minus strand). Cytogenetic location: 12q24.33.
Variant type: single nucleotide variant.
Coding change: c.4544T>C on transcript NM_006231.4 (MANE Select); coding-DNA position 4544, T replaced by C.
Protein change: p.Leu1515Pro; replaces leucine 1515 with proline.
Molecular consequence: missense variant.
Genome position (GRCh38, 1-based): chr12:132,643,231, A>G on the plus strand (T>C on the coding strand, the complement: POLE is on the minus strand). VCF-style: chr12-132643231-A-G. GRCh37 (hg19) VCF-style: chr12-133219817-A-G.
Other names: c.4544T>C (NM_006231.2); short protein forms L1515P.
Identifiers: ClinVar variation 2971271 (VCV002971271.4), dbSNP rs570385857, ClinGen allele CA6892811.